The following is an entry in ClinVar:

ClinVar aggregate classification (germline): Uncertain significance (1 of 4 stars; one submission).

Allele frequency attached by ClinVar (database versions not stated): gnomAD exomes below 0.00001.
gnomAD v4.1: 1 of 1,614,118 alleles (0.000062%); highest among the groups gnomAD compares: South Asian, 0.0011%; no homozygotes.

Submission:

Labcorp Genetics (formerly Invitae), Labcorp
Classification: Uncertain significance. Last evaluated: 2025-10-21. Review status: criteria provided, single submitter. Criteria: Invitae Variant Classification Sherloc (09022015). Collection method: clinical testing. Allele origin: germline.
Comment: This sequence change replaces alanine, which is neutral and non-polar, with glycine, which is neutral and non-polar, at codon 1435 of the CNOT1 protein (p.Ala1435Gly). This variant is not present in population databases (gnomAD no frequency). This variant has not been reported in the literature in individuals affected with CNOT1-related conditions. ClinVar contains an entry for this variant (Variation ID: 2868424). An algorithm developed to predict the effect of missense changes on protein structure and function (PolyPhen-2) suggests that this variant is likely to be disruptive. In summary, the available evidence is currently insufficient to determine the role of this variant in disease. Therefore, it has been classified as a Variant of Uncertain Significance.

NM_016284.5(CNOT1):c.4319C>G (p.Ala1440Gly)

Gene: CNOT1 (CCR4-NOT transcription complex subunit 1; minus strand). Cytogenetic location: 16q21.
Variant type: single nucleotide variant.
Coding change: c.4319C>G on transcript NM_016284.5 (MANE Select); coding-DNA position 4319, C replaced by G.
Protein change: p.Ala1440Gly; replaces alanine 1440 with glycine.
Molecular consequence: missense variant. On other transcripts: non-coding transcript variant (1).
Genome position (GRCh38, 1-based): chr16:58,543,722, G>C on the plus strand (C>G on the coding strand, the complement: CNOT1 is on the minus strand). VCF-style: chr16-58543722-G-C. GRCh37 (hg19) VCF-style: chr16-58577626-G-C.
Other names: c.4304C>G, p.Ala1435Gly (NM_001265612.2); c.4319C>G, p.Ala1440Gly (NM_206999.3); short protein forms A1440G, A1435G.
Identifiers: ClinVar variation 2868424 (VCV002868424.3), dbSNP rs2543899836, ClinGen allele CA396170003.